The following is an entry in ClinVar:

NM_199420.4(POLQ):c.2107G>A (p.Val703Ile)

Gene: POLQ (DNA polymerase theta; minus strand). Cytogenetic location: 3q13.33.
Variant type: single nucleotide variant.
Coding change: c.2107G>A on transcript NM_199420.4 (MANE Select); coding-DNA position 2107, G replaced by A.
Protein change: p.Val703Ile; replaces valine 703 with isoleucine.
Molecular consequence: missense variant.
Genome position (GRCh38, 1-based): chr3:121,498,523, C>T on the plus strand (G>A on the coding strand, the complement: POLQ is on the minus strand). VCF-style: chr3-121498523-C-T. GRCh37 (hg19) VCF-style: chr3-121217370-C-T.
Other names: short protein forms V703I.
Identifiers: ClinVar variation 1786003 (VCV001786003.2), dbSNP rs2546794691, ClinGen allele CA354109947.

ClinVar aggregate classification (germline): Uncertain significance (1 of 4 stars; one submission).

Submission:

Ambry Genetics
Classification: Uncertain significance. Last evaluated: 2021-07-16. Review status: criteria provided, single submitter. Criteria: Ambry Variant Classification Scheme 2023. Collection method: clinical testing. Allele origin: germline.
Comment: The p.V703I variant (also known as c.2107G>A), located in coding exon 13 of the POLQ gene, results from a G to A substitution at nucleotide position 2107. The valine at codon 703 is replaced by isoleucine, an amino acid with highly similar properties. This amino acid position is conserved. In addition, this alteration is predicted to be tolerated by in silico analysis. Since supporting evidence is limited at this time, the clinical significance of this alteration remains unclear.